The following is an entry in ClinVar:

ClinVar aggregate classification (germline): Pathogenic/Likely pathogenic. Review status: criteria provided, multiple submitters, no conflicts (2 of 4 stars). 3 submissions from 3 submitters: Pathogenic (1); Likely pathogenic (2). Last evaluated 2025-09-24.

Conditions:
Osteogenesis imperfecta type I (OI1). Also called: OI, TYPE I; OSTEOGENESIS IMPERFECTA TARDA; OSTEOGENESIS IMPERFECTA WITH BLUE SCLERAE; Osteogenesis imperfecta type 1; Lobstein's Disease; Lobstein disease. Identifiers: Orphanet 216796, Orphanet 666, MedGen C0023931, MONDO:0008146, OMIM 166200. Disease mechanism: loss of function.
COL1A1-related disorder. Also called: COL1A1- related disease; COL1A1-related condition.

Submissions (3):

3billion
Classification: Likely pathogenic for COL1A1-related disorder. Last evaluated: 2025-09-24. Review status: criteria provided, single submitter. Criteria: ACMG Guidelines, 2015. Collection method: clinical testing. Allele origin: germline. Affected: yes.
Comment: The variant is not observed in the gnomAD v4.1.0 dataset. Predicted Consequence/Location: Missense variant In silico tool predictions suggest damaging effect of the variant on gene or gene product [REVEL: 0.68 (>=0.6, sensitivity 0.68 and specificity 0.92)]. The same nucleotide change resulting in the same amino acid change has been previously reported as pathogenic/likely pathogenic with strong evidence (ClinVar ID: VCV002819030 /3billion dataset). Different missense changes at the same codon (p.Ala1218Pro, p.Ala1218Thr) have been reported as pathogenic/likely pathogenic with strong evidence (ClinVar ID: VCV000429696, VCV000853496 /PMID: 21344539, 29669177 /3billion dataset). Therefore, this variant is classified as Likely pathogenic according to the recommendation of ACMG/AMP guideline.

Labcorp Genetics (formerly Invitae), Labcorp
Classification: Pathogenic for Osteogenesis imperfecta type I. Last evaluated: 2023-01-30. Review status: criteria provided, single submitter. Criteria: Invitae Variant Classification Sherloc (09022015). Collection method: clinical testing. Allele origin: germline.
Comment: For these reasons, this variant has been classified as Pathogenic. This variant disrupts the p.Ala1218 amino acid residue in COL1A1. Other variant(s) that disrupt this residue have been determined to be pathogenic (PMID: 24891183, 28173822, 29669177). This suggests that this residue is clinically significant, and that variants that disrupt this residue are likely to be disease-causing. Advanced modeling of protein sequence and biophysical properties (such as structural, functional, and spatial information, amino acid conservation, physicochemical variation, residue mobility, and thermodynamic stability) has been performed at Invitae for this missense variant, however the output from this modeling did not meet the statistical confidence thresholds required to predict the impact of this variant on COL1A1 protein function. This missense change has been observed in individual(s) with clinical features of COL1A1-related conditions (Invitae). In at least one individual the variant was observed to be de novo. This variant is not present in population databases (gnomAD no frequency). This sequence change replaces alanine, which is neutral and non-polar, with valine, which is neutral and non-polar, at codon 1218 of the COL1A1 protein (p.Ala1218Val).

Kasturba Medical College, Manipal, Kasturba Medical College, Manipal, Manipal Academy of Higher Education, Manipal, India
Classification: Likely pathogenic for Osteogenesis imperfecta type I. Review status: criteria provided, single submitter. Criteria: ACMG Guidelines, 2015. Collection method: research. Allele origin: de novo. Inheritance: Autosomal dominant inheritance. Affected: yes. Observed: 1 heterozygote.
Comment: The variant is absent in gnomAD (v4.1.0) and in our in-house database of 3673 exomes. In-silico analysis tools (CADD_phred, and REVEL) predict the variant as disease-causing and likely to affect the COL1A1 function.

Literature cited by the submitters: PubMed 21344539 (cited by 3billion); PubMed 24891183 (cited by Labcorp Genetics (formerly Invitae), Labcorp); PubMed 28173822 (cited by Labcorp Genetics (formerly Invitae), Labcorp); PubMed 29669177 (cited by Labcorp Genetics (formerly Invitae), Labcorp).

NM_000088.4(COL1A1):c.3653C>T (p.Ala1218Val)

Gene: COL1A1 (collagen type I alpha 1 chain; minus strand). Cytogenetic location: 17q21.33.
Variant type: single nucleotide variant.
Coding change: c.3653C>T on transcript NM_000088.4 (MANE Select); coding-DNA position 3653, C replaced by T.
Protein change: p.Ala1218Val; replaces alanine 1218 with valine.
Molecular consequence: missense variant.
Genome position (GRCh38, 1-based): chr17:50,186,801, G>A on the plus strand (C>T on the coding strand, the complement: COL1A1 is on the minus strand). VCF-style: chr17-50186801-G-A. GRCh37 (hg19) VCF-style: chr17-48264162-G-A.
Other names: short protein forms A1218V.
Identifiers: ClinVar variation 2819030 (VCV002819030.4), dbSNP rs201398339, ClinGen allele CA400197446.
Genomic context (GRCh38, chr17:50,186,801, plus strand): 5'-AGGCTCTTGAGGGTGGTGTCCACCTCGAGGTCACGGTCACGAACCACATTGGCATCATCA[G>A]CCCGGTAGTAGCGGCCACCATCGTGAGCCTTCTCTTGAGGTGGCTGGGGCAGGAAGCTGA-3'
Protein context (NP_000079.2, residues 1208-1228): KAHDGGRYYR[Ala1218Val]DDANVVRDRD